The following is an entry in ClinVar:

ClinVar aggregate classification (germline): Uncertain significance (1 of 4 stars; one submission).

Conditions:
Hereditary cancer-predisposing syndrome. Also called: Hereditary neoplastic syndrome; Neoplastic Syndromes, Hereditary; Tumor predisposition; Hereditary Cancer Syndrome. Identifiers: Orphanet 140162, MedGen C0027672, MeSH D009386, MONDO:0015356.

Submission:

Ambry Genetics
Classification: Uncertain significance for Hereditary cancer-predisposing syndrome. Last evaluated: 2025-07-07. Review status: criteria provided, single submitter. Criteria: Ambry Variant Classification Scheme 2023. Collection method: clinical testing. Allele origin: germline.
Comment: The p.Q1030H variant (also known as c.3090G>T), located in coding exon 24 of the POLD1 gene, results from a G to T substitution at nucleotide position 3090. The glutamine at codon 1030 is replaced by histidine, an amino acid with highly similar properties. This amino acid position is conserved. In addition, this alteration is predicted to be tolerated by in silico analysis. Based on the available evidence, the clinical significance of this variant remains unclear.

NM_002691.4(POLD1):c.3090G>T (p.Gln1030His)

Gene: POLD1 (DNA polymerase delta 1, catalytic subunit; plus strand). Cytogenetic location: 19q13.33.
Variant type: single nucleotide variant.
Coding change: c.3090G>T on transcript NM_002691.4 (MANE Select); coding-DNA position 3090, G replaced by T.
Protein change: p.Gln1030His; replaces glutamine 1030 with histidine.
Molecular consequence: missense variant. On other transcripts: non-coding transcript variant (1).
Genome position (GRCh38, 1-based): chr19:50,417,067, G>T. VCF-style: chr19-50417067-G-T. GRCh37 (hg19) VCF-style: chr19-50920324-G-T.
Other names: c.3090G>T, p.Gln1030His (NM_001256849.1, NM_001438212.1, NM_001438213.1); c.3168G>T, p.Gln1056His (NM_001308632.1); c.3018G>T, p.Gln1006His (NM_001438210.1, NM_001438211.1); short protein forms Q1030H, Q1006H, Q1056H.
Identifiers: ClinVar variation 4140995 (VCV004140995.1).
Genomic context (GRCh38, chr19:50,417,067, plus strand): 5'-CTGGGCCCCAGCACTTGGGCTGACCCGCCTCCCCACAGGAGCCGTGTGTGAGTTCTGCCA[G>T]CCCCGGGAGTCTGAGCTGTATCAGAAGGAGGTGAGAGGGCCGGGAGGTGAGGAGGGGCCA-3'
Protein context (NP_002682.2, residues 1020-1040): SHQGAVCEFC[Gln1030His]PRESELYQKE